The following is an entry in ClinVar:

ClinVar aggregate classification (germline): Uncertain significance (1 of 4 stars; one submission).

Conditions:
Jeune thoracic dystrophy. Also called: Jeune syndrome; Infantile thoracic dystrophy; Thoracic pelvic phalangeal dystrophy; Jeune's syndrome; Chondroectodermal dysplasia-like syndrome; Short-rib thoracic dysplasia. Identifiers: Orphanet 474, MedGen C0265275, MONDO:0018770.

Allele frequency attached by ClinVar (database versions not stated): gnomAD exomes below 0.00001; TOPMed below 0.00001.
gnomAD v4.1: 2 of 1,607,516 alleles (0.00012%); highest among the groups gnomAD compares: East Asian, 0.0022%; no homozygotes.

Submission:

Labcorp Genetics (formerly Invitae), Labcorp
Classification: Uncertain significance for Jeune thoracic dystrophy. Last evaluated: 2022-09-27. Review status: criteria provided, single submitter. Criteria: Invitae Variant Classification Sherloc (09022015). Collection method: clinical testing. Allele origin: germline.
Comment: ClinVar contains an entry for this variant (Variation ID: 1364137). This sequence change replaces valine, which is neutral and non-polar, with isoleucine, which is neutral and non-polar, at codon 337 of the IFT80 protein (p.Val337Ile). This variant is not present in population databases (gnomAD no frequency). This variant has not been reported in the literature in individuals affected with IFT80-related conditions. Advanced modeling of protein sequence and biophysical properties (such as structural, functional, and spatial information, amino acid conservation, physicochemical variation, residue mobility, and thermodynamic stability) performed at Invitae indicates that this missense variant is not expected to disrupt IFT80 protein function. In summary, the available evidence is currently insufficient to determine the role of this variant in disease. Therefore, it has been classified as a Variant of Uncertain Significance.

NM_020800.3(IFT80):c.1009G>A (p.Val337Ile)

Genes: TRIM59-IFT80 (TRIM59-IFT80 readthrough (NMD candidate); minus strand), IFT80 (intraflagellar transport 80; minus strand). Cytogenetic location: 3q25.33.
Variant type: single nucleotide variant.
Coding change: c.1009G>A on transcript NM_020800.3 (MANE Select); coding-DNA position 1009, G replaced by A.
Protein change: p.Val337Ile; replaces valine 337 with isoleucine.
Molecular consequence: missense variant. On other transcripts: non-coding transcript variant (3).
Genome position (GRCh38, 1-based): chr3:160,307,730, C>T on the plus strand (G>A on the coding strand, the complement: IFT80 is on the minus strand). VCF-style: chr3-160307730-C-T. GRCh37 (hg19) VCF-style: chr3-160025518-C-T.
Other names: c.598G>A, p.Val200Ile (NM_001190241.2, NM_001190242.2); short protein forms V337I, V200I.
Identifiers: ClinVar variation 1364137 (VCV001364137.6), dbSNP rs1226978230, ClinGen allele CA355194585.